The following is an entry in ClinVar:

ClinVar aggregate classification (germline): Uncertain significance. Review status: criteria provided, multiple submitters, no conflicts (2 of 4 stars). 2 submissions from 2 submitters: Uncertain significance (2). Last evaluated 2022-03-14.

Conditions:
Dilated cardiomyopathy 1DD (CMD1DD). Identifiers: Orphanet 154, MedGen C2750995, MONDO:0013168, OMIM 613172.
Cardiomyopathy (CMYO). Also called: Cardiomyopathies. Identifiers: Orphanet 167848, MedGen C0878544, MONDO:0004994, HP:0001638. Inheritance: Various modes of inheritance.

Submissions (2):

Labcorp Genetics (formerly Invitae), Labcorp
Classification: Uncertain significance for Dilated cardiomyopathy 1DD. Last evaluated: 2022-03-14. Review status: criteria provided, single submitter. Criteria: Invitae Variant Classification Sherloc (09022015). Collection method: clinical testing. Allele origin: germline.
Comment: In summary, the available evidence is currently insufficient to determine the role of this variant in disease. Therefore, it has been classified as a Variant of Uncertain Significance. Advanced modeling of protein sequence and biophysical properties (such as structural, functional, and spatial information, amino acid conservation, physicochemical variation, residue mobility, and thermodynamic stability) performed at Invitae indicates that this missense variant is not expected to disrupt RBM20 protein function. ClinVar contains an entry for this variant (Variation ID: 915718). This variant has not been reported in the literature in individuals affected with RBM20-related conditions. This variant is not present in population databases (gnomAD no frequency). This sequence change replaces histidine, which is basic and polar, with asparagine, which is neutral and polar, at codon 1038 of the RBM20 protein (p.His1038Asn).

CHEO Genetics Diagnostic Laboratory, Children's Hospital of Eastern Ontario
Classification: Uncertain significance for Cardiomyopathy. Last evaluated: 2018-12-31. Review status: criteria provided, single submitter. Criteria: ACMG Guidelines, 2015. Collection method: clinical testing. Allele origin: germline.

NM_001134363.3(RBM20):c.3112C>A (p.His1038Asn)

Gene: RBM20 (RNA binding motif protein 20; plus strand). Cytogenetic location: 10q25.2.
Variant type: single nucleotide variant.
Coding change: c.3112C>A on transcript NM_001134363.3 (MANE Select); coding-DNA position 3112, C replaced by A.
Protein change: p.His1038Asn; replaces histidine 1038 with asparagine.
Molecular consequence: missense variant.
Genome position (GRCh38, 1-based): chr10:110,821,731, C>A. VCF-style: chr10-110821731-C-A. GRCh37 (hg19) VCF-style: chr10-112581489-C-A.
Other names: short protein forms H1038N.
Identifiers: ClinVar variation 915718 (VCV000915718.12), dbSNP rs891835279, ClinGen allele CA213229714.